The following is an entry in ClinVar:

NM_004408.4(DNM1):c.2354C>T (p.Ala785Val)

Genes: DNM1 (dynamin 1; plus strand), LOC130002698 (ATAC-STARR-seq lymphoblastoid silent region 20332; plus strand). Cytogenetic location: 9q34.11.
Variant type: single nucleotide variant.
Coding change: c.2354C>T on transcript NM_004408.4 (MANE Select); coding-DNA position 2354, C replaced by T.
Protein change: p.Ala785Val; replaces alanine 785 with valine.
Molecular consequence: missense variant.
Genome position (GRCh38, 1-based): chr9:128,250,760, C>T. VCF-style: chr9-128250760-C-T. GRCh37 (hg19) VCF-style: chr9-131013039-C-T.
Other names: c.2354C>T, p.Ala785Val (NM_001005336.3, NM_001288737.2, NM_001288738.2 and 2 more transcripts); c.2354C>T (NM_004408.3); short protein forms A785V.
Identifiers: ClinVar variation 2187922 (VCV002187922.5), dbSNP rs779015426, ClinGen allele CA5258452.

ClinVar aggregate classification (germline): Uncertain significance. Review status: criteria provided, multiple submitters, no conflicts (2 of 4 stars). 2 submissions from 2 submitters: Uncertain significance (2). Last evaluated 2024-01-14.

Conditions:
Developmental and epileptic encephalopathy, 31A. Also called: Epileptic encephalopathy, early infantile, 31; Developmental and epileptic encephalopathy, 31. Identifiers: Orphanet 2382, MedGen C4225357, MONDO:0014598, OMIM 616346.

Allele frequency attached by ClinVar (database versions not stated): gnomAD exomes below 0.00001; gnomAD 0.00001; TOPMed 0.00002; ExAC 0.00022.
gnomAD v4.1: 4 of 1,423,058 alleles (0.00028%); highest among the groups gnomAD compares: Non-Finnish European, 0.000091%; no homozygotes.

Submissions (2):

Labcorp Genetics (formerly Invitae), Labcorp
Classification: Uncertain significance for Developmental and epileptic encephalopathy, 31A. Last evaluated: 2024-01-14. Review status: criteria provided, single submitter. Criteria: Invitae Variant Classification Sherloc (09022015). Collection method: clinical testing. Allele origin: germline.
Comment: This sequence change replaces alanine, which is neutral and non-polar, with valine, which is neutral and non-polar, at codon 785 of the DNM1 protein (p.Ala785Val). The frequency data for this variant in the population databases is considered unreliable, as metrics indicate poor data quality at this position in the gnomAD database. This variant has not been reported in the literature in individuals affected with DNM1-related conditions. ClinVar contains an entry for this variant (Variation ID: 2187922). Advanced modeling of protein sequence and biophysical properties (such as structural, functional, and spatial information, amino acid conservation, physicochemical variation, residue mobility, and thermodynamic stability) has been performed at Invitae for this missense variant, however the output from this modeling did not meet the statistical confidence thresholds required to predict the impact of this variant on DNM1 protein function. In summary, the available evidence is currently insufficient to determine the role of this variant in disease. Therefore, it has been classified as a Variant of Uncertain Significance.

GeneDx
Classification: Uncertain significance. Last evaluated: 2023-08-24. Review status: criteria provided, single submitter. Criteria: GeneDx Variant Classification Process June 2021. Collection method: clinical testing. Allele origin: germline. Affected: yes.
Comment: In silico analysis supports that this missense variant does not alter protein structure/function; Has not been previously published as pathogenic or benign to our knowledge